The following is an entry in ClinVar:

ClinVar aggregate classification (germline): Uncertain significance. Review status: criteria provided, single submitter (1 of 4 stars). 2 submissions from 2 submitters: Uncertain significance (1). 1 of the submissions does not count toward it. Last evaluated 2023-07-25.

Conditions:
DNM1-related disorder. Also called: DNM1-related condition.
Developmental and epileptic encephalopathy, 31A. Also called: Epileptic encephalopathy, early infantile, 31; Developmental and epileptic encephalopathy, 31. Identifiers: Orphanet 2382, MedGen C4225357, MONDO:0014598, OMIM 616346.

Submissions (2):

Labcorp Genetics (formerly Invitae), Labcorp
Classification: Uncertain significance for Developmental and epileptic encephalopathy, 31A. Last evaluated: 2023-07-25. Review status: criteria provided, single submitter. Criteria: Invitae Variant Classification Sherloc (09022015). Collection method: clinical testing. Allele origin: germline.
Comment: In summary, the available evidence is currently insufficient to determine the role of this variant in disease. Therefore, it has been classified as a Variant of Uncertain Significance. Advanced modeling of protein sequence and biophysical properties (such as structural, functional, and spatial information, amino acid conservation, physicochemical variation, residue mobility, and thermodynamic stability) performed at Invitae indicates that this missense variant is not expected to disrupt DNM1 protein function. This variant has not been reported in the literature in individuals affected with DNM1-related conditions. This variant is not present in population databases (gnomAD no frequency). This sequence change replaces lysine, which is basic and polar, with glutamic acid, which is acidic and polar, at codon 89 of the DNM1 protein (p.Lys89Glu).

PreventionGenetics, part of Exact Sciences
Classification: Uncertain significance for DNM1-related condition. Last evaluated: 2024-04-13. Review status: no assertion criteria provided. Collection method: clinical testing. Allele origin: germline. Not counted in ClinVar's aggregate classification.
Comment: The DNM1 c.265A>G variant is predicted to result in the amino acid substitution p.Lys89Glu. To our knowledge, this variant has not been reported in the literature or in a large population database, indicating this variant is rare. At this time, the clinical significance of this variant is uncertain due to the absence of conclusive functional and genetic evidence.

NM_004408.4(DNM1):c.265A>G (p.Lys89Glu)

Genes: DNM1 (dynamin 1; plus strand), LOC113839516 (Sharpr-MPRA regulatory region 8497; plus strand). Cytogenetic location: 9q34.11.
Variant type: single nucleotide variant.
Coding change: c.265A>G on transcript NM_004408.4 (MANE Select); coding-DNA position 265, A replaced by G.
Protein change: p.Lys89Glu; replaces lysine 89 with glutamic acid.
Molecular consequence: missense variant.
Genome position (GRCh38, 1-based): chr9:128,218,611, A>G. VCF-style: chr9-128218611-A-G. GRCh37 (hg19) VCF-style: chr9-130980890-A-G.
Other names: c.265A>G (NM_004408.3); c.265A>G, p.Lys89Glu (NM_001005336.3, NM_001288737.2, NM_001288738.2 and 2 more transcripts); short protein forms K89E.
Identifiers: ClinVar variation 2746451 (VCV002746451.4), dbSNP rs2538976358, ClinGen allele CA375010492.